The following is an entry in ClinVar:

NM_005415.5(SLC20A1):c.1221C>T (p.Ser407=)

Gene: SLC20A1 (solute carrier family 20 member 1; plus strand). Cytogenetic location: 2q14.1.
Variant type: single nucleotide variant.
Coding change: c.1221C>T on transcript NM_005415.5 (MANE Select); coding-DNA position 1221, C replaced by T.
Protein change: p.Ser407=; no amino-acid change (serine 407 retained).
Molecular consequence: synonymous variant.
Genome position (GRCh38, 1-based): chr2:112,659,376, C>T. VCF-style: chr2-112659376-C-T. GRCh37 (hg19) VCF-style: chr2-113416953-C-T.
Identifiers: ClinVar variation 3053433 (VCV003053433.2), dbSNP rs148054695, ClinGen allele CA1836006.

ClinVar aggregate classification (germline): Likely benign (0 of 4 stars; one submission).

Conditions:
SLC20A1-related disorder. Also called: SLC20A1-related condition.

Allele frequency attached by ClinVar (database versions not stated): gnomAD exomes 0.00003; ExAC 0.00006; 1000 Genomes Project 30x 0.00016; gnomAD 0.00019; 1000 Genomes Project 0.00020; ESP Exome Variant Server 0.00023.
gnomAD v4.1: 72 of 1,614,088 alleles (0.0045%); highest among the groups gnomAD compares: African/African-American, 0.06%; no homozygotes.

Submission:

PreventionGenetics, part of Exact Sciences
Classification: Likely benign for SLC20A1-related condition. Last evaluated: 2019-08-14. Review status: no assertion criteria provided. Collection method: clinical testing. Allele origin: germline.
Comment: This variant is classified as likely benign based on ACMG/AMP sequence variant interpretation guidelines (Richards et al. 2015 PMID: 25741868, with internal and published modifications).